The following is an entry in ClinVar:

ClinVar aggregate classification (germline): Conflicting classifications of pathogenicity. Review status: criteria provided, conflicting classifications (1 of 4 stars). 2 submissions from 2 submitters: Uncertain significance (1); Likely benign (1). Last evaluated 2025-10-02.

Allele frequency attached by ClinVar (database versions not stated): gnomAD 0.00001; gnomAD exomes 0.00001; ExAC 0.00002; TOPMed 0.00002.
gnomAD v4.1: 21 of 1,613,878 alleles (0.0013%); highest among the groups gnomAD compares: South Asian, 0.0044%; no homozygotes.

Submissions (2):

Ambry Genetics
Classification: Likely benign. Last evaluated: 2025-10-02. Review status: criteria provided, single submitter. Criteria: Ambry Variant Classification Scheme 2023. Collection method: clinical testing. Allele origin: germline.

Labcorp Genetics (formerly Invitae), Labcorp
Classification: Uncertain significance. Last evaluated: 2023-09-18. Review status: criteria provided, single submitter. Criteria: Invitae Variant Classification Sherloc (09022015). Collection method: clinical testing. Allele origin: germline.
Comment: In summary, the available evidence is currently insufficient to determine the role of this variant in disease. Therefore, it has been classified as a Variant of Uncertain Significance. Advanced modeling of protein sequence and biophysical properties (such as structural, functional, and spatial information, amino acid conservation, physicochemical variation, residue mobility, and thermodynamic stability) performed at Invitae indicates that this missense variant is not expected to disrupt KANK1 protein function. This variant has not been reported in the literature in individuals affected with KANK1-related conditions. This variant is present in population databases (rs762483715, gnomAD 0.004%). This sequence change replaces alanine, which is neutral and non-polar, with threonine, which is neutral and polar, at codon 646 of the KANK1 protein (p.Ala646Thr).

NM_015158.5(KANK1):c.1936G>A (p.Ala646Thr)

Gene: KANK1 (KN motif and ankyrin repeat domains 1; plus strand). Cytogenetic location: 9p24.3.
Variant type: single nucleotide variant.
Coding change: c.1936G>A on transcript NM_015158.5 (MANE Select); coding-DNA position 1936, G replaced by A.
Protein change: p.Ala646Thr; replaces alanine 646 with threonine.
Molecular consequence: missense variant. On other transcripts: non-coding transcript variant (1).
Genome position (GRCh38, 1-based): chr9:712,702, G>A. VCF-style: chr9-712702-G-A. GRCh37 (hg19) VCF-style: chr9-712702-G-A.
Other names: c.1936G>A, p.Ala646Thr (NM_001256876.3, NM_001256877.3, NM_001354331.2 and 2 more transcripts); c.1462G>A, p.Ala488Thr (NM_001354333.2, NM_001354335.2, NM_001354336.2 and 9 more transcripts); c.1936G>A (NM_015158.2); short protein forms A646T, A488T.
Identifiers: ClinVar variation 3023679 (VCV003023679.4), dbSNP rs762483715, ClinGen allele CA4960367.